The following is an entry in ClinVar:

NM_000169.3(GLA):c.520del (p.Cys174fs)

Genes: GLA (galactosidase alpha; minus strand), RPL36A-HNRNPH2 (RPL36A-HNRNPH2 readthrough; plus strand). Cytogenetic location: Xq22.1.
Variant type: Deletion.
Coding change: c.520del on transcript NM_000169.3 (MANE Select); coding-DNA position 520, one base deleted (T; older notation c.520delT).
Protein change: p.Cys174fs; shifts the reading frame from cysteine 174.
Molecular consequence: frameshift variant. On other transcripts: non-coding transcript variant (3), intron variant (2).
Genome position (GRCh38, 1-based): chrX:101,401,659, A deleted on the plus strand (T on the coding strand, the reverse complement: GLA is on the minus strand). VCF-style (leftmost placement, unchanged base first): chrX-101401658-CA-C. GRCh37 (hg19) VCF-style: chrX-100656646-CA-C.
Other names: c.643del, p.Cys215fs (NM_001406747.1, NM_001406749.1); c.520del, p.Cys174fs (NM_001406748.1); c.300+6202del (NM_001199973.2); c.177+9837del (NM_001199974.2); short protein forms C174fs, C215fs.
Identifiers: ClinVar variation 4086970 (VCV004086970.3).
Genomic context (GRCh38, chrX:101,401,658, plus strand): 5'-CCTTTGTGGCTAAATCTCTGGAATGAAACATTACCATCTGCCAAATTTTCCAAACTGTCA[CA>C]GTAACAACCATCAAATTTTAGCAGATCTACTCCCCAGTCAGCAAAGGTCTGGGCATCAAT-3'

ClinVar aggregate classification (germline): Pathogenic. Review status: criteria provided, multiple submitters, no conflicts (2 of 4 stars). 2 submissions from 2 submitters: Pathogenic (2). Last evaluated 2026-09-08.

Conditions:
Fabry disease. Also called: ALPHA-GALACTOSIDASE A DEFICIENCY; ANDERSON-FABRY DISEASE; CERAMIDE TRIHEXOSIDASE DEFICIENCY; GLA DEFICIENCY; HEREDITARY DYSTOPIC LIPIDOSIS; Angiokeratoma corporis diffusum. Identifiers: Orphanet 324, MedGen C0002986, MONDO:0010526, OMIM 301500, HP:0001071. Disease mechanism: Fabry disease is due to inactivating mutations in the X-linked GLA gene resulting in deficiency of the enzyme Alpha Galactosidase-A., loss of function.

Submissions (2):

Genomenon, Inc
Classification: Pathogenic for Fabry disease. Last evaluated: 2026-09-08. Review status: criteria provided, single submitter. Criteria: Genomenon Sequence Variant Interpretation Standards - Updated. Collection method: curation. Allele origin: germline. Affected: yes.
Comment: GLA p.Cys174ValfsTer18 (c.520del) is a frameshift variant that is predicted to introduce a premature termination codon and result in a truncated or absent protein product. This variant has been observed in at least one proband with clinical features consistent with Fabry disease (PMID:11668641). It is absent or not present at a significant frequency in gnomAD. In conclusion, we classify GLA p.Cys174ValfsTer18 (c.520del) as a pathogenic variant.

Genetics Laboratory, Great Ormond Street Hospital NHS Foundation Trust, North Thames Genomic Laboratory Hub
Classification: Pathogenic for Fabry disease. Last evaluated: 2026-07-13. Review status: criteria provided, single submitter. Criteria: ACGS Best Practice Guidelines for Variant Classification in Rare Disease 2024 v1.2. Collection method: clinical testing. Allele origin: germline. Affected: yes.
Comment: PS4_supporting, PM2_moderate, PVS1_very-strong, PP4_strong

Literature cited by the submitters: PubMed 11668641 (cited by Genomenon, Inc).